The following is an entry in ClinVar:

NM_000088.4(COL1A1):c.2674G>C (p.Ala892Pro)

Gene: COL1A1 (collagen type I alpha 1 chain; minus strand). Cytogenetic location: 17q21.33.
Variant type: single nucleotide variant.
Coding change: c.2674G>C on transcript NM_000088.4 (MANE Select); coding-DNA position 2674, G replaced by C.
Protein change: p.Ala892Pro; replaces alanine 892 with proline.
Molecular consequence: missense variant.
Genome position (GRCh38, 1-based): chr17:50,189,532, C>G on the plus strand (G>C on the coding strand, the complement: COL1A1 is on the minus strand). VCF-style: chr17-50189532-C-G. GRCh37 (hg19) VCF-style: chr17-48266893-C-G.
Other names: short protein forms A892P.
Identifiers: ClinVar variation 4841207 (VCV004841207.2).
Genomic context (GRCh38, chr17:50,189,532, plus strand): 5'-CACCACGGGGACCTTTGCCGCCTTCTTTGCCAGCAGGACCAGGAGGGCCAGGGGGTCCAG[C>G]ATTTCCCTGGATGAGGATAGGAGGGGCTGTCAGACTCCAGGGGGCTCTGGTGCATCATTG-3'
Protein context (NP_000079.2, residues 882-902): RVGPPGPSGN[Ala892Pro]GPPGPPGPAG

ClinVar aggregate classification (germline): Uncertain significance. Review status: criteria provided, multiple submitters, no conflicts (2 of 4 stars). 2 submissions from 2 submitters: Uncertain significance (2). Last evaluated 2026-03-12.

Conditions:
COL1A1-related disorder. Also called: COL1A1-related condition; COL1A1- related disease.
Cardiovascular phenotype. Identifiers: MedGen CN230736.

gnomAD v4.1: 1 of 1,613,860 alleles (0.000062%); highest among the groups gnomAD compares: Non-Finnish European, 0.000085%; no homozygotes.

Submissions (2):

Ambry Genetics
Classification: Uncertain significance for Cardiovascular phenotype. Last evaluated: 2026-03-12. Review status: criteria provided, single submitter. Criteria: Ambry Variant Classification Scheme 2023. Collection method: clinical testing. Allele origin: germline.

PreventionGenetics, part of Exact Sciences
Classification: Uncertain significance for COL1A1-related condition. Last evaluated: 2025-12-31. Review status: criteria provided, single submitter. Criteria: ACMG Guidelines, 2015. Collection method: clinical testing. Allele origin: germline.
Comment: The COL1A1 c.2674G>C variant is predicted to result in the amino acid substitution p.Ala892Pro. To our knowledge, this variant has not been reported in the literature. This variant is reported in 0.00089% of alleles in individuals of European (Non-Finnish) descent in gnomAD. At this time, the clinical significance of this variant is uncertain due to the absence of conclusive functional and genetic evidence.